The following is an entry in ClinVar:

NM_005068.3(SIM1):c.1435C>T (p.Leu479=)

Genes: SIM1 (SIM bHLH transcription factor 1; minus strand), SIM1-AS1 (SIM1 antisense RNA 1; plus strand). Cytogenetic location: 6q16.3.
Variant type: single nucleotide variant.
Coding change: c.1435C>T on transcript NM_005068.3 (MANE Select); coding-DNA position 1435, C replaced by T.
Protein change: p.Leu479=; no amino-acid change (leucine 479 retained).
Molecular consequence: synonymous variant. On other transcripts: non-coding transcript variant (1).
Genome position (GRCh38, 1-based): chr6:100,393,622, G>A on the plus strand (C>T on the coding strand, the complement: SIM1 is on the minus strand). VCF-style: chr6-100393622-G-A. GRCh37 (hg19) VCF-style: chr6-100841498-G-A.
Other names: c.1435C>T, p.Leu479= (NM_001374769.1).
Identifiers: ClinVar variation 3354627 (VCV003354627.1).
Genomic context (GRCh38, chr6:100,393,622, plus strand): 5'-TCAGGGGCAAGGCTGCGCGAGAGCCCCACCAGGGCTCCCTCCCGGCCTGCGGCGTTCCCA[G>A]GAAGTACCTGCCTGCCTCACATCGGCCTCCTTCACAGGCCTGGGTATGGAAATGCCTCTC-3'
Protein context (NP_005059.2, residues 469-489): GGRCEAGRYF[Leu479=]GTPQAGREPW

ClinVar aggregate classification (germline): Likely benign (0 of 4 stars; one submission).

Conditions:
SIM1-related disorder. Also called: SIM1-related condition; SIM1-related disorders.

gnomAD v4.1: 20 of 1,614,046 alleles (0.0012%); highest among the groups gnomAD compares: South Asian, 0.0055%; no homozygotes.

Submission:

PreventionGenetics, part of Exact Sciences
Classification: Likely benign for SIM1-related condition. Last evaluated: 2019-09-18. Review status: no assertion criteria provided. Collection method: clinical testing. Allele origin: germline.
Comment: This variant is classified as likely benign based on ACMG/AMP sequence variant interpretation guidelines (Richards et al. 2015 PMID: 25741868, with internal and published modifications).